The following is an entry in ClinVar:

ClinVar aggregate classification (germline): Uncertain significance (1 of 4 stars; one submission).

Conditions:
Myopathy, proximal, and ophthalmoplegia (CMYO6). Also called: INCLUSION BODY MYOPATHY 3, AUTOSOMAL DOMINANT; CONGENITAL MYOPATHY 6 WITH OPHTHALMOPLEGIA; MYOPATHY WITH CONGENITAL JOINT CONTRACTURES, OPHTHALMOPLEGIA, AND RIMMED VACUOLES. Identifiers: Orphanet 363677, Orphanet 79091, MedGen C1854106, MONDO:0011577, OMIM 605637.

Submission:

Labcorp Genetics (formerly Invitae), Labcorp
Classification: Uncertain significance for Myopathy, proximal, and ophthalmoplegia. Last evaluated: 2022-10-17. Review status: criteria provided, single submitter. Criteria: Invitae Variant Classification Sherloc (09022015). Collection method: clinical testing. Allele origin: germline.
Comment: In summary, the available evidence is currently insufficient to determine the role of this variant in disease. Therefore, it has been classified as a Variant of Uncertain Significance. Advanced modeling of protein sequence and biophysical properties (such as structural, functional, and spatial information, amino acid conservation, physicochemical variation, residue mobility, and thermodynamic stability) performed at Invitae indicates that this missense variant is not expected to disrupt MYH2 protein function. This variant has not been reported in the literature in individuals affected with MYH2-related conditions. This variant is not present in population databases (gnomAD no frequency). This sequence change replaces proline, which is neutral and non-polar, with serine, which is neutral and polar, at codon 137 of the MYH2 protein (p.Pro137Ser).

NM_017534.6(MYH2):c.409C>T (p.Pro137Ser)

Genes: MYHAS (myosin heavy chain gene cluster antisense RNA; plus strand), MYH2 (myosin heavy chain 2; minus strand). Cytogenetic location: 17p13.1.
Variant type: single nucleotide variant.
Coding change: c.409C>T on transcript NM_017534.6 (MANE Select); coding-DNA position 409, C replaced by T.
Protein change: p.Pro137Ser; replaces proline 137 with serine.
Molecular consequence: missense variant.
Genome position (GRCh38, 1-based): chr17:10,545,442, G>A on the plus strand (C>T on the coding strand, the complement: MYH2 is on the minus strand). VCF-style: chr17-10545442-G-A. GRCh37 (hg19) VCF-style: chr17-10448759-G-A.
Other names: c.409C>T, p.Pro137Ser (NM_001100112.2); short protein forms P137S.
Identifiers: ClinVar variation 2084880 (VCV002084880.4), dbSNP rs2073617060, ClinGen allele CA398171047.